The following is an entry in ClinVar:

NM_000193.4(SHH):c.1206C>T (p.Gly402=)

Gene: SHH (sonic hedgehog signaling molecule; minus strand). Cytogenetic location: 7q36.3.
Variant type: single nucleotide variant.
Coding change: c.1206C>T on transcript NM_000193.4 (MANE Select); coding-DNA position 1206, C replaced by T.
Protein change: p.Gly402=; no amino-acid change (glycine 402 retained).
Molecular consequence: synonymous variant. On other transcripts: intron variant (1).
Genome position (GRCh38, 1-based): chr7:155,803,083, G>A on the plus strand (C>T on the coding strand, the complement: SHH is on the minus strand). VCF-style: chr7-155803083-G-A. GRCh37 (hg19) VCF-style: chr7-155595777-G-A.
Other names: c.302-2838C>T (NM_001310462.2); c.1206C>T (NM_000193.2).
Identifiers: ClinVar variation 3031737 (VCV003031737.3), dbSNP rs1251153385, ClinGen allele CA458892975.

ClinVar aggregate classification (germline): Likely benign. Review status: criteria provided, single submitter (1 of 4 stars). 2 submissions from 2 submitters: Likely benign (1). 1 of the submissions does not count toward it. Last evaluated 2025-02-07.

Conditions:
Inborn genetic diseases. Identifiers: MedGen C0950123, MeSH D030342.
SHH-related disorder. Also called: SHH-related condition; SHH-related disorders.

Allele frequency attached by ClinVar (database versions not stated): gnomAD exomes 0.00001.
gnomAD v4.1: 9 of 1,354,286 alleles (0.00066%); highest among the groups gnomAD compares: Middle Eastern, 0.025%; no homozygotes.

Submissions (2):

Ambry Genetics
Classification: Likely benign for Inborn genetic diseases. Last evaluated: 2025-02-07. Review status: criteria provided, single submitter. Criteria: Ambry Variant Classification Scheme 2023. Collection method: clinical testing. Allele origin: germline.

PreventionGenetics, part of Exact Sciences
Classification: Likely benign for SHH-related condition. Last evaluated: 2021-04-14. Review status: no assertion criteria provided. Collection method: clinical testing. Allele origin: germline. Not counted in ClinVar's aggregate classification.
Comment: This variant is classified as likely benign based on ACMG/AMP sequence variant interpretation guidelines (Richards et al. 2015 PMID: 25741868, with internal and published modifications).